The following is an entry in ClinVar:

ClinVar aggregate classification (germline): Uncertain significance (1 of 4 stars; one submission).

Conditions:
Inborn genetic diseases. Identifiers: MedGen C0950123, MeSH D030342.

Submission:

Ambry Genetics
Classification: Uncertain significance for Inborn genetic diseases. Last evaluated: 2026-02-15. Review status: criteria provided, single submitter. Criteria: Ambry Variant Classification Scheme 2023. Collection method: clinical testing. Allele origin: germline.
Comment: The p.G804E variant (also known as c.2411G>A), located in coding exon 13 of the ASXL1 gene, results from a G to A substitution at nucleotide position 2411. The glycine at codon 804 is replaced by glutamic acid, an amino acid with similar properties. This amino acid position is conserved. In addition, this alteration is predicted to be tolerated by in silico analysis. Based on the available evidence, the clinical significance of this variant remains unclear.

NM_015338.6(ASXL1):c.2411G>A (p.Gly804Glu)

Gene: ASXL1 (ASXL transcriptional regulator 1; plus strand). Cytogenetic location: 20q11.21.
Variant type: single nucleotide variant.
Coding change: c.2411G>A on transcript NM_015338.6 (MANE Select); coding-DNA position 2411, G replaced by A.
Protein change: p.Gly804Glu; replaces glycine 804 with glutamic acid.
Molecular consequence: missense variant.
Genome position (GRCh38, 1-based): chr20:32,435,123, G>A. VCF-style: chr20-32435123-G-A. GRCh37 (hg19) VCF-style: chr20-31022926-G-A.
Other names: c.2228G>A, p.Gly743Glu (NM_001363734.1); short protein forms G743E, G804E.
Identifiers: ClinVar variation 4825227 (VCV004825227.1).